The following is an entry in ClinVar:

NM_000081.4(LYST):c.6440A>G (p.Gln2147Arg)

Gene: LYST (lysosomal trafficking regulator; minus strand). Cytogenetic location: 1q42.3.
Variant type: single nucleotide variant.
Coding change: c.6440A>G on transcript NM_000081.4 (MANE Select); coding-DNA position 6440, A replaced by G.
Protein change: p.Gln2147Arg; replaces glutamine 2147 with arginine.
Molecular consequence: missense variant.
Genome position (GRCh38, 1-based): chr1:235,759,413, T>C on the plus strand (A>G on the coding strand, the complement: LYST is on the minus strand). VCF-style: chr1-235759413-T-C. GRCh37 (hg19) VCF-style: chr1-235922713-T-C.
Other names: c.6440A>G, p.Gln2147Arg (NM_001301365.1); short protein forms Q2147R.
Identifiers: ClinVar variation 2078268 (VCV002078268.2), dbSNP rs770747189, ClinGen allele CA1466376.
Genomic context (GRCh38, chr1:235,759,413, plus strand): 5'-CTACTGATGAATGCGTCCTCTTTGCCTTTTTTCAGTGTGTCGGAACTCCCCAAAGAATTT[T>C]GTTTCTTTGATTGGGTGGCAACATAAGTATCTGCAATATTTTGTAACCTGTCGATACTAC-3'
Protein context (NP_000072.2, residues 2137-2157): DTYVATQSKK[Gln2147Arg]NSLGSSDTLK

ClinVar aggregate classification (germline): Uncertain significance (1 of 4 stars; one submission).

Conditions:
Chédiak-Higashi syndrome (CHS). Also called: Chediak-Higashi Syndrome. Identifiers: Orphanet 167, MedGen C0007965, MONDO:0008963, OMIM 214500.

Allele frequency attached by ClinVar (database versions not stated): gnomAD exomes below 0.00001; TOPMed below 0.00001; ExAC 0.00001.
gnomAD v4.1: 2 of 1,614,152 alleles (0.00012%); highest among the groups gnomAD compares: East Asian, 0.0022%; no homozygotes.

Submission:

Labcorp Genetics (formerly Invitae), Labcorp
Classification: Uncertain significance for Chédiak-Higashi syndrome. Last evaluated: 2024-01-22. Review status: criteria provided, single submitter. Criteria: Invitae Variant Classification Sherloc (09022015). Collection method: clinical testing. Allele origin: germline.
Comment: This sequence change replaces glutamine, which is neutral and polar, with arginine, which is basic and polar, at codon 2147 of the LYST protein (p.Gln2147Arg). This variant is present in population databases (rs770747189, gnomAD 0.006%). This variant has not been reported in the literature in individuals affected with LYST-related conditions. ClinVar contains an entry for this variant (Variation ID: 2078268). Advanced modeling of protein sequence and biophysical properties (such as structural, functional, and spatial information, amino acid conservation, physicochemical variation, residue mobility, and thermodynamic stability) performed at Invitae indicates that this missense variant is not expected to disrupt LYST protein function with a negative predictive value of 80%. In summary, the available evidence is currently insufficient to determine the role of this variant in disease. Therefore, it has been classified as a Variant of Uncertain Significance.